The following is an entry in ClinVar:

ClinVar aggregate classification (germline): Uncertain significance. Review status: criteria provided, multiple submitters, no conflicts (2 of 4 stars). 2 submissions from 2 submitters: Uncertain significance (2). Last evaluated 2021-11-06.

Conditions:
Atrioventricular septal defect 4 (AVSD4). Identifiers: MedGen C3280781, MONDO:0013747, OMIM 614430.
Cardiovascular phenotype. Identifiers: MedGen CN230736.

Allele frequency attached by ClinVar (database versions not stated): gnomAD 0.00001.
gnomAD v4.1: 1 of 1,614,118 alleles (0.000062%); highest among the groups gnomAD compares: African/African-American, 0.0013%; no homozygotes.

Submissions (2):

Labcorp Genetics (formerly Invitae), Labcorp
Classification: Uncertain significance for Atrioventricular septal defect 4. Last evaluated: 2021-11-06. Review status: criteria provided, single submitter. Criteria: Invitae Variant Classification Sherloc (09022015). Collection method: clinical testing. Allele origin: germline.
Comment: This sequence change replaces proline, which is neutral and non-polar, with leucine, which is neutral and non-polar, at codon 257 of the GATA4 protein (p.Pro257Leu). This variant is not present in population databases (gnomAD no frequency). This variant has not been reported in the literature in individuals affected with GATA4-related conditions. Algorithms developed to predict the effect of missense changes on protein structure and function are either unavailable or do not agree on the potential impact of this missense change (SIFT: "Deleterious"; PolyPhen-2: "Possibly Damaging"; Align-GVGD: "Class C0"). In summary, the available evidence is currently insufficient to determine the role of this variant in disease. Therefore, it has been classified as a Variant of Uncertain Significance.

Ambry Genetics
Classification: Uncertain significance for Cardiovascular phenotype. Last evaluated: 2021-06-22. Review status: criteria provided, single submitter. Criteria: Ambry Variant Classification Scheme 2023. Collection method: clinical testing. Allele origin: germline.
Comment: The p.P257L variant (also known as c.770C>T), located in coding exon 2 of the GATA4 gene, results from a C to T substitution at nucleotide position 770. The proline at codon 257 is replaced by leucine, an amino acid with similar properties. This amino acid position is conserved. In addition, this alteration is predicted to be deleterious by in silico analysis. Since supporting evidence is limited at this time, the clinical significance of this alteration remains unclear.

NM_001308093.3(GATA4):c.773C>T (p.Pro258Leu)

Gene: GATA4 (GATA binding protein 4). Cytogenetic location: 8p23.1.
Variant type: single nucleotide variant.
Coding change: c.773C>T on transcript NM_001308093.3 (MANE Select); coding-DNA position 773, C replaced by T.
Protein change: p.Pro258Leu; replaces proline 258 with leucine.
Molecular consequence: missense variant.
Genome position (GRCh38, 1-based): chr8:11,749,072, C>T. VCF-style: chr8-11749072-C-T. GRCh37 (hg19) VCF-style: chr8-11606581-C-T.
Other names: c.152C>T, p.Pro51Leu (NM_001308094.2, NM_001374273.1, NM_001374274.1); c.770C>T, p.Pro257Leu (NM_002052.5); short protein forms P257L, P51L, P258L.
Identifiers: ClinVar variation 1437614 (VCV001437614.8), dbSNP rs753457161, ClinGen allele CA370312865.